The following is an entry in ClinVar:

ClinVar aggregate classification (germline): Uncertain significance. Review status: criteria provided, multiple submitters, no conflicts (2 of 4 stars). 3 submissions from 3 submitters: Uncertain significance (3). Last evaluated 2023-08-14.

Conditions:
Bethlem myopathy 1A. Also called: Bethlem myopathy 1; Bethlem Muscular Dystrophy; MYOPATHY, BENIGN CONGENITAL, WITH CONTRACTURES. Identifiers: Orphanet 610, MedGen CN029274, MONDO:0024530, OMIM 158810.

Allele frequency attached by ClinVar (database versions not stated): TOPMed 0.00001.

Submissions (3):

Labcorp Genetics (formerly Invitae), Labcorp
Classification: Uncertain significance for Bethlem myopathy 1A. Last evaluated: 2023-08-14. Review status: criteria provided, single submitter. Criteria: Invitae Variant Classification Sherloc (09022015). Collection method: clinical testing. Allele origin: germline.
Comment: This sequence change replaces valine, which is neutral and non-polar, with leucine, which is neutral and non-polar, at codon 921 of the COL6A2 protein (p.Val921Leu). In summary, the available evidence is currently insufficient to determine the role of this variant in disease. Therefore, it has been classified as a Variant of Uncertain Significance. This variant is present in population databases (rs398123650, gnomAD 0.01%). This variant has not been reported in the literature in individuals affected with COL6A2-related conditions. ClinVar contains an entry for this variant (Variation ID: 210749). Advanced modeling of protein sequence and biophysical properties (such as structural, functional, and spatial information, amino acid conservation, physicochemical variation, residue mobility, and thermodynamic stability) performed at Invitae indicates that this missense variant is not expected to disrupt COL6A2 protein function.

CeGaT Center for Human Genetics Tuebingen
Classification: Uncertain significance. Last evaluated: 2023-08-01. Review status: criteria provided, single submitter. Criteria: CeGaT Center For Human Genetics Tuebingen Variant Classification Criteria Version 2. Collection method: clinical testing. Allele origin: germline. Affected: yes. Observed: 1 variant allele.
Comment: COL6A2: PM2, BP4

Genetic Services Laboratory, University of Chicago
Classification: Uncertain significance. Last evaluated: 2014-11-03. Review status: criteria provided, single submitter. Criteria: ACMG Guidelines, 2015. Collection method: clinical testing. Allele origin: germline.

NM_001849.4(COL6A2):c.2761G>T (p.Val921Leu)

Gene: COL6A2 (collagen type VI alpha 2 chain; plus strand). Cytogenetic location: 21q22.3.
Variant type: single nucleotide variant.
Coding change: c.2761G>T on transcript NM_001849.4 (MANE Select); coding-DNA position 2761, G replaced by T.
Protein change: p.Val921Leu; replaces valine 921 with leucine.
Molecular consequence: missense variant.
Genome position (GRCh38, 1-based): chr21:46,132,253, G>T. VCF-style: chr21-46132253-G-T. GRCh37 (hg19) VCF-style: chr21-47552167-G-T.
Other names: short protein forms V921L.
Identifiers: ClinVar variation 210749 (VCV000210749.33), dbSNP rs398123650, ClinGen allele CA205548.